The following is an entry in ClinVar:

ClinVar aggregate classification (germline): Uncertain significance (1 of 4 stars; one submission).

Allele frequency attached by ClinVar (database versions not stated): TOPMed below 0.00001; gnomAD 0.00001.

Submission:

Labcorp Genetics (formerly Invitae), Labcorp
Classification: Uncertain significance. Last evaluated: 2022-08-09. Review status: criteria provided, single submitter. Criteria: Invitae Variant Classification Sherloc (09022015). Collection method: clinical testing. Allele origin: germline.
Comment: In summary, the available evidence is currently insufficient to determine the role of this variant in disease. Therefore, it has been classified as a Variant of Uncertain Significance. Algorithms developed to predict the effect of missense changes on protein structure and function output the following: SIFT: "Tolerated"; PolyPhen-2: "Benign"; Align-GVGD: "Class C0". The valine amino acid residue is found in multiple mammalian species, which suggests that this missense change does not adversely affect protein function. ClinVar contains an entry for this variant (Variation ID: 1378265). This variant has not been reported in the literature in individuals affected with PEX3-related conditions. This variant is not present in population databases (gnomAD no frequency). This sequence change replaces methionine, which is neutral and non-polar, with valine, which is neutral and non-polar, at codon 312 of the PEX3 protein (p.Met312Val).

NM_003630.3(PEX3):c.934A>G (p.Met312Val)

Gene: PEX3 (peroxisomal biogenesis factor 3; plus strand). Cytogenetic location: 6q24.2.
Variant type: single nucleotide variant.
Coding change: c.934A>G on transcript NM_003630.3 (MANE Select); coding-DNA position 934, A replaced by G.
Protein change: p.Met312Val; replaces methionine 312 with valine.
Molecular consequence: missense variant.
Genome position (GRCh38, 1-based): chr6:143,479,191, A>G. VCF-style: chr6-143479191-A-G. GRCh37 (hg19) VCF-style: chr6-143800328-A-G.
Other names: short protein forms M312V.
Identifiers: ClinVar variation 1378265 (VCV001378265.8), dbSNP rs1307564715, ClinGen allele CA365886244.